The following is an entry in ClinVar:

ClinVar aggregate classification (germline): Uncertain significance (1 of 4 stars; one submission).

Allele frequency attached by ClinVar (database versions not stated): gnomAD exomes below 0.00001.
gnomAD v4.1: 6 of 1,480,848 alleles (0.00041%); highest among the groups gnomAD compares: Non-Finnish European, 0.00046%; no homozygotes.

Submission:

Labcorp Genetics (formerly Invitae), Labcorp
Classification: Uncertain significance. Last evaluated: 2024-08-05. Review status: criteria provided, single submitter. Criteria: Invitae Variant Classification Sherloc (09022015). Collection method: clinical testing. Allele origin: germline.
Comment: This sequence change replaces phenylalanine, which is neutral and non-polar, with leucine, which is neutral and non-polar, at codon 907 of the SLC12A2 protein (p.Phe907Leu). This variant is not present in population databases (gnomAD no frequency). This variant has not been reported in the literature in individuals affected with SLC12A2-related conditions. Advanced modeling of protein sequence and biophysical properties (such as structural, functional, and spatial information, amino acid conservation, physicochemical variation, residue mobility, and thermodynamic stability) performed at Invitae indicates that this missense variant is not expected to disrupt SLC12A2 protein function with a negative predictive value of 80%. In summary, the available evidence is currently insufficient to determine the role of this variant in disease. Therefore, it has been classified as a Variant of Uncertain Significance.

NM_001046.3(SLC12A2):c.2719T>C (p.Phe907Leu)

Gene: SLC12A2 (solute carrier family 12 member 2; plus strand). Cytogenetic location: 5q23.3.
Variant type: single nucleotide variant.
Coding change: c.2719T>C on transcript NM_001046.3 (MANE Select); coding-DNA position 2719, T replaced by C.
Protein change: p.Phe907Leu; replaces phenylalanine 907 with leucine.
Molecular consequence: missense variant. On other transcripts: non-coding transcript variant (1).
Genome position (GRCh38, 1-based): chr5:128,167,863, T>C. VCF-style: chr5-128167863-T-C. GRCh37 (hg19) VCF-style: chr5-127503555-T-C.
Other names: c.2719T>C, p.Phe907Leu (NM_001256461.2); short protein forms F907L.
Identifiers: ClinVar variation 2985471 (VCV002985471.3), dbSNP rs2479457027, ClinGen allele CA360752408.